The following is an entry in ClinVar:

NM_022841.7(RFX7):c.2233G>T (p.Glu745Ter)

Gene: RFX7 (regulatory factor X7; minus strand). Cytogenetic location: 15q21.3.
Variant type: single nucleotide variant.
Coding change: c.2233G>T on transcript NM_022841.7 (MANE Select); coding-DNA position 2233, G replaced by T.
Protein change: p.Glu745Ter; replaces glutamic acid 745 with a stop codon.
Molecular consequence: nonsense.
Genome position (GRCh38, 1-based): chr15:56,095,495, C>A on the plus strand (G>T on the coding strand, the complement: RFX7 is on the minus strand). VCF-style: chr15-56095495-C-A. GRCh37 (hg19) VCF-style: chr15-56387693-C-A.
Other names: c.1942G>T, p.Glu648Ter (NM_001368073.2, NM_001368074.1, NM_001370554.1); c.2233G>T, p.Glu745Ter (NM_001370561.1); short protein forms E745*, E648*.
Identifiers: ClinVar variation 2458588 (VCV002458588.3), dbSNP rs2504988812, ClinGen allele CA392579583.

ClinVar aggregate classification (germline): Likely pathogenic (1 of 4 stars; one submission).

Conditions:
Inborn genetic diseases. Identifiers: MedGen C0950123, MeSH D030342.

Submission:

Ambry Genetics
Classification: Likely pathogenic for Inborn genetic diseases. Last evaluated: 2024-11-06. Review status: criteria provided, single submitter. Criteria: Ambry Variant Classification Scheme 2023. Collection method: clinical testing. Allele origin: germline.
Comment: The c.2233G>T (p.E745*) alteration, located in exon 9 (coding exon 9) of the RFX7 gene, consists of a G to T substitution at nucleotide position 2233. This changes the amino acid from a glutamic acid (E) to a stop codon at amino acid position 745. This alteration occurs at the 3' terminus of the RFX7 gene, is not expected to trigger nonsense-mediated mRNA decay, and impacts the last 49% of the protein. Although loss-of-function has not been established as a mechanism of disease, premature stop codons in this region have been reported with disease. This variant was not reported in population-based cohorts in the Genome Aggregation Database (gnomAD). Based on the available evidence, this alteration is classified as likely pathogenic.